The following is an entry in ClinVar:

NM_001267727.2(ARSG):c.1000C>A (p.Gln334Lys)

Gene: ARSG (arylsulfatase G; plus strand). Cytogenetic location: 17q24.2.
Variant type: single nucleotide variant.
Coding change: c.1000C>A on transcript NM_001267727.2 (MANE Select); coding-DNA position 1000, C replaced by A.
Protein change: p.Gln334Lys; replaces glutamine 334 with lysine.
Molecular consequence: missense variant.
Genome position (GRCh38, 1-based): chr17:68,385,081, C>A. VCF-style: chr17-68385081-C-A. GRCh37 (hg19) VCF-style: chr17-66381222-C-A.
Other names: c.1000C>A, p.Gln334Lys (NM_001352899.2, NM_001352900.2, NM_001352901.2 and 3 more transcripts); c.997C>A, p.Gln333Lys (NM_001352903.2, NM_001352904.2, NM_001352905.2 and 2 more transcripts); c.952C>A, p.Gln318Lys (NM_001352909.2); c.1000C>A (NM_014960.3); short protein forms Q318K, Q334K, Q333K.
Identifiers: ClinVar variation 1426160 (VCV001426160.6), dbSNP rs529717748, ClinGen allele CA8728444.
Genomic context (GRCh38, chr17:68,385,081, plus strand): 5'-GTTATCACCATGGATGAACCAGCTGCCTCCCCTCCTCTCACAGGGGGAAGTCCAGCCAAG[C>A]AGACGACCTGGGAAGGAGGGCACCGGGTCCCAGCACTGGCTTACTGGCCTGGCAGAGTTC-3'
Protein context (NP_001254656.1, residues 324-344): QTRQGGSPAK[Gln334Lys]TTWEGGHRVP

ClinVar aggregate classification (germline): Uncertain significance. Review status: criteria provided, multiple submitters, no conflicts (2 of 4 stars). 2 submissions from 2 submitters: Uncertain significance (2). Last evaluated 2025-04-12.

Allele frequency attached by ClinVar (database versions not stated): TOPMed 0.00001; 1000 Genomes Project 30x 0.00016; gnomAD 0.00004 and 0.00001; 1000 Genomes Project 0.00020; ExAC 0.00006.
gnomAD v4.1: 51 of 1,614,036 alleles (0.0032%); highest among the groups gnomAD compares: South Asian, 0.046%; no homozygotes.

Submissions (2):

Ambry Genetics
Classification: Uncertain significance. Last evaluated: 2025-04-12. Review status: criteria provided, single submitter. Criteria: Ambry Variant Classification Scheme 2023. Collection method: clinical testing. Allele origin: germline.

Labcorp Genetics (formerly Invitae), Labcorp
Classification: Uncertain significance. Last evaluated: 2022-06-13. Review status: criteria provided, single submitter. Criteria: Invitae Variant Classification Sherloc (09022015). Collection method: clinical testing. Allele origin: germline.
Comment: This sequence change replaces glutamine, which is neutral and polar, with lysine, which is basic and polar, at codon 334 of the ARSG protein (p.Gln334Lys). This variant is present in population databases (rs529717748, gnomAD 0.07%). This variant has not been reported in the literature in individuals affected with ARSG-related conditions. Algorithms developed to predict the effect of missense changes on protein structure and function (SIFT, PolyPhen-2, Align-GVGD) all suggest that this variant is likely to be tolerated. In summary, the available evidence is currently insufficient to determine the role of this variant in disease. Therefore, it has been classified as a Variant of Uncertain Significance.